The following is an entry in ClinVar:

NM_000059.4(BRCA2):c.6944T>C (p.Ile2315Thr)

Gene: BRCA2 (BRCA2 DNA repair associated; plus strand). Cytogenetic location: 13q13.1.
Variant type: single nucleotide variant.
Coding change: c.6944T>C on transcript NM_000059.4 (MANE Select); coding-DNA position 6944, T replaced by C.
Protein change: p.Ile2315Thr; replaces isoleucine 2315 with threonine.
Molecular consequence: missense variant.
Genome position (GRCh38, 1-based): chr13:32,346,833, T>C. VCF-style: chr13-32346833-T-C. GRCh37 (hg19) VCF-style: chr13-32920970-T-C.
Other names: c.6848T>C, p.Ile2283Thr (NM_001406719.1); c.6944T>C, p.Ile2315Thr (NM_001406720.1); c.2012T>C, p.Ile671Thr (NM_001406721.1); c.527T>C, p.Ile176Thr (NM_001406722.1); short protein forms I2315T, I2283T, I671T, I176T.
Identifiers: ClinVar variation 1756266 (VCV001756266.3), dbSNP rs2072613986, ClinGen allele CA387792976.

ClinVar aggregate classification (germline): Uncertain significance (1 of 4 stars; one submission).

Conditions:
Hereditary cancer-predisposing syndrome. Also called: Neoplastic Syndromes, Hereditary; Tumor predisposition; Hereditary Cancer Syndrome; Hereditary neoplastic syndrome. Identifiers: Orphanet 140162, MedGen C0027672, MeSH D009386, MONDO:0015356.

Submission:

Ambry Genetics
Classification: Uncertain significance for Hereditary cancer-predisposing syndrome. Last evaluated: 2025-10-23. Review status: criteria provided, single submitter. Criteria: Ambry Variant Classification Scheme 2023. Collection method: clinical testing. Allele origin: germline.
Comment: The p.I2315T variant (also known as c.6944T>C), located in coding exon 12 of the BRCA2 gene, results from a T to C substitution at nucleotide position 6944. The isoleucine at codon 2315 is replaced by threonine, an amino acid with similar properties. This amino acid position is poorly conserved in available vertebrate species. In addition, the in silico prediction for this alteration is inconclusive. Since supporting evidence is limited at this time, the clinical significance of this alteration remains unclear.